The following is an entry in ClinVar:

ClinVar aggregate classification (germline): Benign (1 of 4 stars; one submission).

Conditions:
Melanoma-pancreatic cancer syndrome. Identifiers: Orphanet 404560, MedGen C1838547, MONDO:0011713, OMIM 606719. Disease mechanism: loss of function.

Submission:

Myriad Genetics, Inc.
Classification: Benign for Melanoma-pancreatic cancer syndrome. Last evaluated: 2025-08-15. Review status: criteria provided, single submitter. Criteria: Myriad Autosomal Dominant, Autosomal Recessive and X-Linked Classification Criteria (2023). Collection method: clinical testing. Allele origin: unknown.
Comment: This variant is considered benign. This variant is intronic and is not expected to impact mRNA splicing.

NM_000077.5(CDKN2A):c.458-88G>T

Gene: CDKN2A (cyclin dependent kinase inhibitor 2A; minus strand). Cytogenetic location: 9p21.3.
Variant type: single nucleotide variant.
Coding change: c.458-88G>T on transcript NM_000077.5 (MANE Select); 88 bases into the intron before coding-DNA position 458, G replaced by T.
Molecular consequence: intron variant.
Genome position (GRCh38, 1-based): chr9:21,968,330, C>A on the plus strand (G>T on the coding strand, the complement: CDKN2A is on the minus strand). VCF-style: chr9-21968330-C-A. GRCh37 (hg19) VCF-style: chr9-21968329-C-A.
Other names: c.305-88G>T (NM_001363763.2); c.*102-88G>T (NM_058195.4); c.*151-88G>T (NM_001195132.2); c.*381-88G>T (NM_058197.5).
Identifiers: ClinVar variation 4294156 (VCV004294156.1).